The following is an entry in ClinVar:

ClinVar aggregate classification (germline): Uncertain significance (1 of 4 stars; one submission).

Conditions:
Osteogenesis imperfecta type 7 (OI7). Also called: OI type 7; OI type VII; OSTEOGENESIS IMPERFECTA, TYPE IIB; Osteogenesis imperfecta type 2B; OI type 2B; Osteogenesis imperfecta, perinatal lethal autosomal recessive. Identifiers: MedGen C1853162, MONDO:0012536, OMIM 610682.

Submission:

Labcorp Genetics (formerly Invitae), Labcorp
Classification: Uncertain significance for Osteogenesis imperfecta type 7. Last evaluated: 2019-07-12. Review status: criteria provided, single submitter. Criteria: Invitae Variant Classification Sherloc (09022015). Collection method: clinical testing. Allele origin: germline.
Comment: This variant is not present in population databases (ExAC no frequency). In summary, the available evidence is currently insufficient to determine the role of this variant in disease. Therefore, it has been classified as a Variant of Uncertain Significance. Algorithms developed to predict the effect of missense changes on protein structure and function (SIFT, PolyPhen-2, Align-GVGD) all suggest that this variant is likely to be tolerated, but these predictions have not been confirmed by published functional studies and their clinical significance is uncertain. This variant has not been reported in the literature in individuals with CRTAP-related conditions. This sequence change replaces phenylalanine with leucine at codon 129 of the CRTAP protein (p.Phe129Leu). The phenylalanine residue is highly conserved and there is a small physicochemical difference between phenylalanine and leucine.

NM_006371.5(CRTAP):c.387C>G (p.Phe129Leu)

Gene: CRTAP (cartilage associated protein; plus strand). Cytogenetic location: 3p22.3.
Variant type: single nucleotide variant.
Coding change: c.387C>G on transcript NM_006371.5 (MANE Select); coding-DNA position 387, C replaced by G.
Protein change: p.Phe129Leu; replaces phenylalanine 129 with leucine.
Molecular consequence: missense variant.
Genome position (GRCh38, 1-based): chr3:33,114,464, C>G. VCF-style: chr3-33114464-C-G. GRCh37 (hg19) VCF-style: chr3-33155956-C-G.
Other names: short protein forms F129L.
Identifiers: ClinVar variation 947335 (VCV000947335.4), dbSNP rs778764392, ClinGen allele CA352008746.